The following is an entry in ClinVar:

ClinVar aggregate classification (germline): Pathogenic (1 of 4 stars; one submission).

Conditions:
Primary ciliary dyskinesia. Also called: Ciliary dyskinesia. Identifiers: Orphanet 244, MedGen C0008780, MONDO:0016575, HP:0012265.

Submission:

Labcorp Genetics (formerly Invitae), Labcorp
Classification: Pathogenic for Primary ciliary dyskinesia. Last evaluated: 2024-10-02. Review status: criteria provided, single submitter. Criteria: Invitae Variant Classification Sherloc (09022015). Collection method: clinical testing. Allele origin: germline.
Comment: This sequence change affects an acceptor splice site in intron 77 of the DNAH11 gene. It is expected to disrupt RNA splicing. Variants that disrupt the donor or acceptor splice site typically lead to a loss of protein function (PMID: 16199547), and loss-of-function variants in DNAH11 are known to be pathogenic (PMID: 18022865, 20513915, 22184204). This variant is not present in population databases (gnomAD no frequency). Disruption of this splice site has been observed in individual(s) with primary ciliary dyskinesia (internal data). Algorithms developed to predict the effect of sequence changes on RNA splicing suggest that this variant may disrupt the consensus splice site. For these reasons, this variant has been classified as Pathogenic.

Literature cited by the submitters: PubMed 16199547; PubMed 18022865; PubMed 20513915; PubMed 22184204.

NM_001277115.2(DNAH11):c.12751-1G>A

Gene: DNAH11 (dynein axonemal heavy chain 11; plus strand). Cytogenetic location: 7p15.3.
Variant type: single nucleotide variant.
Coding change: c.12751-1G>A on transcript NM_001277115.2 (MANE Select); the canonical splice acceptor site of the intron before coding-DNA position 12751, G replaced by A.
Molecular consequence: splice acceptor variant.
Genome position (GRCh38, 1-based): chr7:21,894,622, G>A. VCF-style: chr7-21894622-G-A. GRCh37 (hg19) VCF-style: chr7-21934240-G-A.
Identifiers: ClinVar variation 3722020 (VCV003722020.2).
Genomic context (GRCh38, chr7:21,894,622, plus strand): 5'-ACAGTCACCATGACGAAAACTGAAATAGAAAGGAGCTAAATCTTTGTGTTACTGATTTAA[G>A]GTTAAGAATGTCTTGGATGACATTTTGGAGAAACTTCCAGAAGAGTTCAACATGGCAGAG-3'